The following is an entry in ClinVar:

ClinVar aggregate classification (germline): Uncertain significance (1 of 4 stars; one submission).

Conditions:
Charcot-Marie-Tooth disease type 2. Also called: Charcot-Marie-Tooth type 2. Identifiers: Orphanet 64746, MedGen C0270914, MONDO:0018993.

Allele frequency attached by ClinVar (database versions not stated): gnomAD 0.00001; gnomAD exomes below 0.00001; TOPMed 0.00001.
gnomAD v4.1: 5 of 1,614,130 alleles (0.00031%); highest among the groups gnomAD compares: Non-Finnish European, 0.00042%; no homozygotes.

Submission:

Labcorp Genetics (formerly Invitae), Labcorp
Classification: Uncertain significance for Charcot-Marie-Tooth disease type 2. Last evaluated: 2025-01-30. Review status: criteria provided, single submitter. Criteria: Invitae Variant Classification Sherloc (09022015). Collection method: clinical testing. Allele origin: germline.
Comment: This sequence change replaces serine, which is neutral and polar, with glycine, which is neutral and non-polar, at codon 729 of the MFN2 protein (p.Ser729Gly). This variant is present in population databases (no rsID available, gnomAD 0.0009%). This variant has not been reported in the literature in individuals affected with MFN2-related conditions. ClinVar contains an entry for this variant (Variation ID: 1477249). Invitae Evidence Modeling of protein sequence and biophysical properties (such as structural, functional, and spatial information, amino acid conservation, physicochemical variation, residue mobility, and thermodynamic stability) has been performed for this missense variant. However, the output from this modeling did not meet the statistical confidence thresholds required to predict the impact of this variant on MFN2 protein function. In summary, the available evidence is currently insufficient to determine the role of this variant in disease. Therefore, it has been classified as a Variant of Uncertain Significance.

NM_014874.4(MFN2):c.2185A>G (p.Ser729Gly)

Gene: MFN2 (mitofusin 2; plus strand). Cytogenetic location: 1p36.22.
Variant type: single nucleotide variant.
Coding change: c.2185A>G on transcript NM_014874.4 (MANE Select); coding-DNA position 2185, A replaced by G.
Protein change: p.Ser729Gly; replaces serine 729 with glycine.
Molecular consequence: missense variant.
Genome position (GRCh38, 1-based): chr1:12,009,707, A>G. VCF-style: chr1-12009707-A-G. GRCh37 (hg19) VCF-style: chr1-12069764-A-G.
Other names: c.2185A>G, p.Ser729Gly (NM_001127660.2); short protein forms S729G.
Identifiers: ClinVar variation 1477249 (VCV001477249.8), dbSNP rs1274191966, ClinGen allele CA338453352.